The following is an entry in ClinVar:

ClinVar aggregate classification (germline): Uncertain significance. Review status: criteria provided, multiple submitters, no conflicts (2 of 4 stars). 2 submissions from 2 submitters: Uncertain significance (2). Last evaluated 2024-04-03.

Conditions:
Hereditary sensory and autonomic neuropathy type 7. Also called: Neuropathy, hereditary sensory and autonomic, type VII; HSAN VII. Identifiers: Orphanet 391397, MedGen C3809882, MONDO:0014244, OMIM 615548.
Familial episodic pain syndrome with predominantly lower limb involvement. Also called: Episodic pain syndrome, familial, 3. Identifiers: Orphanet 391384, Orphanet 391392, MedGen C3809899, MONDO:0014247, OMIM 615552.

Allele frequency attached by ClinVar (database versions not stated): gnomAD exomes below 0.00001 and 0.00001; gnomAD 0.00001; TOPMed 0.00002.
gnomAD v4.1: 19 of 1,612,634 alleles (0.0012%); highest among the groups gnomAD compares: Admixed American, 0.0017%; no homozygotes.

Submissions (2):

Clinical Genetics Laboratory, Skane University Hospital Lund
Classification: Uncertain significance. Last evaluated: 2024-04-03. Review status: criteria provided, single submitter. Criteria: ACMG Guidelines, 2015. Collection method: clinical testing. Allele origin: germline. Affected: yes.

Labcorp Genetics (formerly Invitae), Labcorp
Classification: Uncertain significance for Familial episodic pain syndrome with predominantly lower limb involvement; Hereditary sensory and autonomic neuropathy type 7. Last evaluated: 2020-07-08. Review status: criteria provided, single submitter. Criteria: Invitae Variant Classification Sherloc (09022015). Collection method: clinical testing. Allele origin: germline.
Comment: In summary, the available evidence is currently insufficient to determine the role of this variant in disease. Therefore, it has been classified as a Variant of Uncertain Significance. Algorithms developed to predict the effect of missense changes on protein structure and function (SIFT, PolyPhen-2, Align-GVGD) all suggest that this variant is likely to be disruptive, but these predictions have not been confirmed by published functional studies and their clinical significance is uncertain. This variant has not been reported in the literature in individuals with SCN11A-related conditions. This variant is not present in population databases (ExAC no frequency). This sequence change replaces glycine with arginine at codon 1113 of the SCN11A protein (p.Gly1113Arg). The glycine residue is highly conserved and there is a moderate physicochemical difference between glycine and arginine.

NM_001349253.2(SCN11A):c.3337G>A (p.Gly1113Arg)

Gene: SCN11A (sodium voltage-gated channel alpha subunit 11; minus strand). Cytogenetic location: 3p22.2.
Variant type: single nucleotide variant.
Coding change: c.3337G>A on transcript NM_001349253.2 (MANE Select); coding-DNA position 3337, G replaced by A.
Protein change: p.Gly1113Arg; replaces glycine 1113 with arginine.
Molecular consequence: missense variant.
Genome position (GRCh38, 1-based): chr3:38,880,006, C>T on the plus strand (G>A on the coding strand, the complement: SCN11A is on the minus strand). VCF-style: chr3-38880006-C-T. GRCh37 (hg19) VCF-style: chr3-38921497-C-T.
Other names: c.3337G>A, p.Gly1113Arg (NM_014139.3); short protein forms G1113R.
Identifiers: ClinVar variation 842510 (VCV000842510.7), dbSNP rs1445569526, ClinGen allele CA352172597.
Genomic context (GRCh38, chr3:38,880,006, plus strand): 5'-TTACAATCACAATGATGAAATCAAGGCAGCACCAGGCACTGGTGAAATACTTTCCAAATC[C>T]GAAGGCTACCCATTTTAGTACCATCTCCAGGATAAAAATATGTGTAAAAATAATGTCAGT-3'
Protein context (NP_001336182.1, residues 1103-1123): LEMVLKWVAF[Gly1113Arg]FGKYFTSAWC